The following is an entry in ClinVar:

ClinVar aggregate classification (germline): Conflicting classifications of pathogenicity. Review status: criteria provided, conflicting classifications (1 of 4 stars). 12 submissions from 11 submitters: Uncertain significance (1); Benign (2); Likely benign (3). 6 of the submissions do not count toward it. Last evaluated 2025-09-02.

Conditions:
CACNB4-related disorder. Also called: CACNB4-Related Disorders; CACNB4-related condition.
Idiopathic generalized epilepsy. Also called: Generalised epilepsy; EIG. Identifiers: MedGen C0270850, MONDO:0005579, OMIM 600669.
Epilepsy, idiopathic generalized, susceptibility to, 9. Identifiers: Orphanet 307, MedGen C2750887, MONDO:0011892, OMIM 607682.
Juvenile myoclonic epilepsy (EJM). Also called: JANZ SYNDROME; PETIT MAL, IMPULSIVE. Identifiers: Orphanet 307, MedGen C0270853, MONDO:0009696.
Episodic ataxia type 5. Identifiers: Orphanet 211067, MedGen C1866039, MONDO:0013464, OMIM 613855.

Allele frequency attached by ClinVar (database versions not stated): 1000 Genomes Project 0.00040; ExAC 0.00045; gnomAD exomes 0.00047 and 0.00092; TOPMed 0.00062; 1000 Genomes Project 30x 0.00047; gnomAD 0.00064 and 0.00074.
gnomAD v4.1: 1,414 of 1,613,588 alleles (0.088%); highest among the groups gnomAD compares: Non-Finnish European, 0.12%; 1 homozygote.

Submissions (12):

Labcorp Genetics (formerly Invitae), Labcorp
Classification: Likely benign for Idiopathic generalized epilepsy. Last evaluated: 2025-09-02. Review status: criteria provided, single submitter. Criteria: Invitae Variant Classification Sherloc (09022015). Collection method: clinical testing. Allele origin: germline.

CeGaT Center for Human Genetics Tuebingen
Classification: Likely benign. Last evaluated: 2024-12-01. Review status: criteria provided, single submitter. Criteria: CeGaT Center For Human Genetics Tuebingen Variant Classification Criteria Version 2. Collection method: clinical testing. Allele origin: germline. Affected: yes. Observed: 4 variant alleles.
Comment: CACNB4: PP3, BS1

Blueprint Genetics
Classification: Likely benign. Last evaluated: 2024-09-24. Review status: criteria provided, single submitter. Criteria: ACMG Guidelines, 2015. Collection method: clinical testing. Allele origin: germline.

Mendelics
Classification: Uncertain significance for Myoclonic epilepsy, juvenile, susceptibility to, 1. Last evaluated: 2019-05-28. Review status: criteria provided, single submitter. Criteria: Mendelics Assertion Criteria 2017. Collection method: clinical testing. Allele origin: unknown.

GeneDx
Classification: Benign. Last evaluated: 2019-01-16. Review status: criteria provided, single submitter. Criteria: GeneDx Variant Classification Process June 2021. Collection method: clinical testing. Allele origin: germline. Affected: yes.
Comment: This variant is associated with the following publications: (PMID: 10762541)

Illumina Laboratory Services, Illumina
Classification: Benign for Episodic ataxia type 5. Last evaluated: 2018-03-06. Review status: criteria provided, single submitter. Criteria: ICSL Variant Classification Criteria 13 December 2019. Collection method: clinical testing. Allele origin: germline.
Comment: This variant was observed in the ICSL laboratory as part of a predisposition screen in an ostensibly healthy population. It had not been previously curated by ICSL or reported in the Human Gene Mutation Database (HGMD: prior to June 1st, 2018), and was therefore a candidate for classification through an automated scoring system. Utilizing variant allele frequency, disease prevalence and penetrance estimates, and inheritance mode, an automated score was calculated to assess if this variant is too frequent to cause the disease. Based on the score and internal cut-off values, a variant classified as benign is not then subjected to further curation. The score for this variant resulted in a classification of benign for this disease.

PreventionGenetics, part of Exact Sciences
Classification: Likely benign for CACNB4-related condition. Last evaluated: 2023-04-26. Review status: no assertion criteria provided. Collection method: clinical testing. Allele origin: germline. Not counted in ClinVar's aggregate classification.
Comment: This variant is classified as likely benign based on ACMG/AMP sequence variant interpretation guidelines (Richards et al. 2015 PMID: 25741868, with internal and published modifications).

OMIM
Classification: risk factor for EPILEPSY, GENERALIZED IDIOPATHIC, SUSCEPTIBILITY TO, 9. Last evaluated: 2000-05-01. Review status: no assertion criteria provided. Collection method: literature only. Allele origin: germline. Not counted in ClinVar's aggregate classification.

OMIM
Classification: Pathogenic for EPISODIC ATAXIA, TYPE 5. Last evaluated: 2000-05-01. Review status: no assertion criteria provided. Collection method: literature only. Allele origin: germline. Not counted in ClinVar's aggregate classification.

Clinical Genetics DNA and cytogenetics Diagnostics Lab, Erasmus MC, Erasmus Medical Center
Classification: Uncertain significance. Review status: no assertion criteria provided. Collection method: clinical testing. Allele origin: germline. Affected: yes. Study: VKGL Data-share Consensus. Not counted in ClinVar's aggregate classification.

Diagnostic Laboratory, Department of Genetics, University Medical Center Groningen
Classification: Uncertain significance. Review status: no assertion criteria provided. Collection method: clinical testing. Allele origin: germline. Affected: yes. Study: VKGL Data-share Consensus. Not counted in ClinVar's aggregate classification.

Genome Diagnostics Laboratory, University Medical Center Utrecht
Classification: Uncertain significance. Review status: no assertion criteria provided. Collection method: clinical testing. Allele origin: germline. Affected: yes. Study: VKGL Data-share Consensus. Not counted in ClinVar's aggregate classification.

Literature cited by the submitters: PubMed 10762541 (cited by OMIM); Inoue, Y., Suzuki, S., Watanabe, Y., Yagi, K., Seino, M. Non-lesional reflex epilepsy evoked by non-verbal higher cerebral activities. J. Jpn. Epilepsy Soc. 10: 1-9, 1992. (cited by OMIM).

NM_000726.5(CACNB4):c.311G>T (p.Cys104Phe)

Gene: CACNB4 (calcium voltage-gated channel auxiliary subunit beta 4; minus strand). Cytogenetic location: 2q23.3.
Variant type: single nucleotide variant.
Coding change: c.311G>T on transcript NM_000726.5 (MANE Select); coding-DNA position 311, G replaced by T.
Protein change: p.Cys104Phe; replaces cysteine 104 with phenylalanine.
Molecular consequence: missense variant. On other transcripts: 5 prime UTR variant (2).
Genome position (GRCh38, 1-based): chr2:151,880,879, C>A on the plus strand (G>T on the coding strand, the complement: CACNB4 is on the minus strand). VCF-style: chr2-151880879-C-A. GRCh37 (hg19) VCF-style: chr2-152737393-C-A.
Other names: p.C104F:TGC>TTC; c.257G>T, p.Cys86Phe (NM_001005746.4, NM_001330113.2); c.209G>T, p.Cys70Phe (NM_001005747.4, NM_001330115.2); c.311G>T, p.Cys104Phe (NM_001145798.3); c.170G>T, p.Cys57Phe (NM_001320722.3, NM_001330116.2, NM_001330118.2); c.-324G>T (NM_001330114.2); c.-248G>T (NM_001330117.2); short protein forms C104F, C86F, C57F, C70F.
Identifiers: ClinVar variation 7608 (VCV000007608.64), dbSNP rs1805031, ClinGen allele CA118923.